The following is an entry in ClinVar:

ClinVar aggregate classification (germline): Likely pathogenic. Review status: criteria provided, multiple submitters, no conflicts (2 of 4 stars). 2 submissions from 2 submitters: Likely pathogenic (2). Last evaluated 2023-01-24.

Conditions:
Usher syndrome type 1F (USH1F). Also called: USHER SYNDROME, TYPE IF. Identifiers: Orphanet 231169, Orphanet 886, MedGen C1865885, MONDO:0011186, OMIM 602083.

Allele frequency attached by ClinVar (database versions not stated): gnomAD exomes below 0.00001.
gnomAD v4.1: 5 of 1,613,392 alleles (0.00031%); highest among the groups gnomAD compares: Non-Finnish European, 0.00042%; no homozygotes.

Submissions (2):

Broad Center for Mendelian Genomics, Broad Institute of MIT and Harvard
Classification: Likely pathogenic for Usher syndrome type 1F. Last evaluated: 2023-01-24. Review status: criteria provided, single submitter. Criteria: ACMG Guidelines, 2015. Collection method: curation. Allele origin: germline. Inheritance: Autosomal recessive inheritance.
Comment: The c.1440+2T>C variant in PCDH15 has not been previously reported in the literature in individuals with Usher syndrome type 1F but has been identified in 0.0009% (1/113550) of European (non-Finnish) chromosomes by the Genome Aggregation Database (gnomAD; dbSNP ID: rs1363688830). Although this variant has been seen in the general population in a heterozygous state, its frequency is low enough to be consistent with a recessive carrier frequency. This variant has also been reported in ClinVar (Variation ID#: 1066564) and has been interpreted as likely pathogenic by Invitae. This variant is located in the 3' splice region. Computational tools predict a splicing impact through use of an out of frame cryptic splice site, though this information is not predictive enough to determine pathogenicity. In summary, although additional studies are required to fully establish its clinical significance, this variant is likely pathogenic for autosomal recessive Usher syndrome type 1F. ACMG/AMP Criteria applied: PM2, PVS1 (Richards 2015).

Labcorp Genetics (formerly Invitae), Labcorp
Classification: Likely pathogenic. Last evaluated: 2021-11-30. Review status: criteria provided, single submitter. Criteria: Invitae Variant Classification Sherloc (09022015). Collection method: clinical testing. Allele origin: germline.
Comment: Algorithms developed to predict the effect of sequence changes on RNA splicing suggest that this variant may disrupt the consensus splice site. ClinVar contains an entry for this variant (Variation ID: 1066564). This variant has not been reported in the literature in individuals affected with PCDH15-related conditions. This variant is present in population databases (no rsID available, gnomAD 0.0009%). This sequence change affects a donor splice site in intron 12 of the PCDH15 gene. It is expected to disrupt RNA splicing. Variants that disrupt the donor or acceptor splice site typically lead to a loss of protein function (PMID: 16199547), and loss-of-function variants in PCDH15 are known to be pathogenic (PMID: 11398101, 11487575, 14570705). In summary, the currently available evidence indicates that the variant is pathogenic, but additional data are needed to prove that conclusively. Therefore, this variant has been classified as Likely Pathogenic.

Literature cited by the submitters: PubMed 16199547 (cited by Labcorp Genetics (formerly Invitae), Labcorp); PubMed 11398101 (cited by Labcorp Genetics (formerly Invitae), Labcorp); PubMed 11487575 (cited by Labcorp Genetics (formerly Invitae), Labcorp); PubMed 14570705 (cited by Labcorp Genetics (formerly Invitae), Labcorp).

NM_001384140.1(PCDH15):c.1440+2T>C

Gene: PCDH15 (protocadherin related 15; minus strand). Cytogenetic location: 10q21.1.
Variant type: single nucleotide variant.
Coding change: c.1440+2T>C on transcript NM_001384140.1 (MANE Select); the canonical splice donor site of the intron after coding-DNA position 1440, T replaced by C.
Molecular consequence: splice donor variant.
Genome position (GRCh38, 1-based): chr10:54,185,132, A>G on the plus strand (T>C on the coding strand, the complement: PCDH15 is on the minus strand). VCF-style: chr10-54185132-A-G. GRCh37 (hg19) VCF-style: chr10-55944892-A-G.
Other names: c.1440+2T>C (NM_001142764.2, NM_001354430.2, NM_001354420.2 and 6 more transcripts); c.1455+2T>C (NM_001142763.2, NM_001142771.2); c.1461+2T>C (NM_001354411.2); c.1476+2T>C (NM_001142769.3); c.1374+2T>C (NM_001354404.2, NM_001142773.2, NM_001142768.2); c.1329+2T>C (NM_001142767.2).
Identifiers: ClinVar variation 1066564 (VCV001066564.7), dbSNP rs1363688830, ClinGen allele CA376514926.